The following is an entry in ClinVar:

NM_000308.4(CTSA):c.693G>C (p.Arg231Ser)

Gene: CTSA (cathepsin A; plus strand). Cytogenetic location: 20q13.12.
Variant type: single nucleotide variant.
Coding change: c.693G>C on transcript NM_000308.4 (MANE Select); coding-DNA position 693, G replaced by C.
Protein change: p.Arg231Ser; replaces arginine 231 with serine.
Molecular consequence: missense variant. On other transcripts: non-coding transcript variant (1).
Genome position (GRCh38, 1-based): chr20:45,893,988, G>C. VCF-style: chr20-45893988-G-C. GRCh37 (hg19) VCF-style: chr20-44522627-G-C.
Other names: c.693G>C, p.Arg231Ser (NM_001127695.3); c.642G>C, p.Arg214Ser (NM_001167594.3); short protein forms R214S, R231S.
Identifiers: ClinVar variation 3354682 (VCV003354682.2).

ClinVar aggregate classification (germline): Uncertain significance. Review status: criteria provided, single submitter (1 of 4 stars). 2 submissions from 2 submitters: Uncertain significance (1). 1 of the submissions does not count toward it. Last evaluated 2026-01-07.

Conditions:
CTSA-related disorder. Also called: CTSA-related condition.

gnomAD v4.1: 13 of 1,600,100 alleles (0.00081%); highest among the groups gnomAD compares: East Asian, 0.016%; no homozygotes.

Submissions (2):

Women's Health and Genetics/Laboratory Corporation of America, LabCorp
Classification: Uncertain significance. Last evaluated: 2026-01-07. Review status: criteria provided, single submitter. Criteria: LabCorp Variant Classification Summary - May 2015. Collection method: clinical testing. Allele origin: germline.
Comment: Variant summary: CTSA c.693G>C (p.Arg231Ser) results in a non-conservative amino acid change in the encoded protein sequence. Algorithms developed to predict the effect of missense changes on protein structure and function are either unavailable or do not agree on the potential impact of this missense change. Several computational tools predict a significant impact on normal splicing: Two predict the variant no significant impact on splicing. Two predict the variant weakens the canonical 3' acceptor site. Two predict the variant creates a cryptic 3' acceptor site. However, these predictions have yet to be confirmed by functional studies. The variant allele was found at a frequency of 8e-06 in 251178 control chromosomes. The available data on variant occurrences in the general population are insufficient to allow any conclusion about variant significance. To our knowledge, no occurrence of c.693G>C in individuals affected with CTSA-related conditions and no experimental evidence demonstrating its impact on protein function have been reported. ClinVar contains an entry for this variant (Variation ID: 3354682). Based on the evidence outlined above, the variant was classified as uncertain significance.

PreventionGenetics, part of Exact Sciences
Classification: Uncertain significance for CTSA-related condition. Last evaluated: 2024-05-07. Review status: no assertion criteria provided. Collection method: clinical testing. Allele origin: germline. Not counted in ClinVar's aggregate classification.
Comment: The CTSA c.747G>C variant is predicted to result in the amino acid substitution p.Arg249Ser. To our knowledge, this variant has not been reported in the literature. This variant is reported in 0.012% of alleles in individuals of African descent in gnomAD. At this time, the clinical significance of this variant is uncertain due to the absence of conclusive functional and genetic evidence.